The following is an entry in ClinVar:

ClinVar aggregate classification (germline): Uncertain significance (1 of 4 stars; one submission).

Conditions:
FOXC2-related disorder. Also called: FOXC2-related condition.

Submission:

PreventionGenetics, part of Exact Sciences
Classification: Uncertain significance for FOXC2-related condition. Last evaluated: 2026-08-14. Review status: criteria provided, single submitter. Criteria: ACMG Guidelines, 2015. Collection method: clinical testing. Allele origin: germline.
Comment: The FOXC2 c.357C>A variant is predicted to result in the amino acid substitution p.Ser119Arg. To our knowledge, this variant has not been reported in the literature or in a large population database (gnomAD), indicating this variant is rare. At this time, the clinical significance of this variant is uncertain due to the absence of conclusive functional and genetic evidence.

NM_005251.3(FOXC2):c.357C>A (p.Ser119Arg)

Genes: FOXC2 (forkhead box C2; plus strand), FOXC2-AS1 (FOXC2 antisense RNA 1; minus strand). Cytogenetic location: 16q24.1.
Variant type: single nucleotide variant.
Coding change: c.357C>A on transcript NM_005251.3 (MANE Select); coding-DNA position 357, C replaced by A.
Protein change: p.Ser119Arg; replaces serine 119 with arginine.
Molecular consequence: missense variant. On other transcripts: non-coding transcript variant (1).
Genome position (GRCh38, 1-based): chr16:86,567,692, C>A. VCF-style: chr16-86567692-C-A. GRCh37 (hg19) VCF-style: chr16-86601298-C-A.
Other names: short protein forms S119R.
Identifiers: ClinVar variation 4995049 (VCV004995049.1).